The following is an entry in ClinVar:

ClinVar aggregate classification (germline): Uncertain significance (1 of 4 stars; one submission).

Submission:

GeneDx
Classification: Uncertain significance. Last evaluated: 2024-07-18. Review status: criteria provided, single submitter. Criteria: GeneDx Variant Classification Process June 2021. Collection method: clinical testing. Allele origin: germline. Affected: yes.
Comment: In silico analysis indicates that this missense variant does not alter protein structure/function; Has not been previously published as pathogenic or benign to our knowledge

NM_001292063.2(OTOG):c.5362A>C (p.Met1788Leu)

Gene: OTOG (otogelin; plus strand). Cytogenetic location: 11p15.1.
Variant type: single nucleotide variant.
Coding change: c.5362A>C on transcript NM_001292063.2 (MANE Select); coding-DNA position 5362, A replaced by C.
Protein change: p.Met1788Leu; replaces methionine 1788 with leucine.
Molecular consequence: missense variant.
Genome position (GRCh38, 1-based): chr11:17,610,662, A>C. VCF-style: chr11-17610662-A-C. GRCh37 (hg19) VCF-style: chr11-17632209-A-C.
Other names: c.5398A>C, p.Met1800Leu (NM_001277269.2); short protein forms M1788L, M1800L.
Identifiers: ClinVar variation 3573743 (VCV003573743.1).